The following is an entry in ClinVar:

NM_001134407.3(GRIN2A):c.742_748del (p.Leu248fs)

Gene: GRIN2A (glutamate ionotropic receptor NMDA type subunit 2A; minus strand). Cytogenetic location: 16p13.2.
Variant type: Deletion.
Coding change: c.742_748del on transcript NM_001134407.3 (MANE Select); coding-DNA positions 742 to 748, 7 bases deleted (CTCACCG; older notation c.742_748delCTCACCG).
Protein change: p.Leu248fs; shifts the reading frame from leucine 248.
Molecular consequence: frameshift variant.
Genome position (GRCh38, 1-based): chr16:9,938,218-9,938,224, CGGTGAG deleted on the plus strand (CTCACCG on the coding strand, the reverse complement: GRIN2A is on the minus strand). VCF-style (leftmost placement, unchanged base first): chr16-9938217-CCGGTGAG-C. GRCh37 (hg19) VCF-style: chr16-10032074-CCGGTGAG-C.
Other names: c.742_748del, p.Leu248fs (NM_000833.5, NM_001134408.2); short protein forms L248fs.
Identifiers: ClinVar variation 3342562 (VCV003342562.2).

ClinVar aggregate classification (germline): Pathogenic/Likely pathogenic. Review status: criteria provided, multiple submitters, no conflicts (2 of 4 stars). 2 submissions from 2 submitters: Pathogenic (1); Likely pathogenic (1). Last evaluated 2024-09-27.

Conditions:
Landau-Kleffner syndrome (FESD). Also called: EPILEPSY, FOCAL, WITH SPEECH DISORDER AND WITH OR WITHOUT MENTAL RETARDATION; APHASIA, ACQUIRED, WITH EPILEPSY. Identifiers: Orphanet 1945, Orphanet 725, Orphanet 98818, MedGen C0282512, MONDO:0009509, OMIM 245570.

Submissions (2):

ARUP Laboratories, Molecular Genetics and Genomics, ARUP Laboratories
Classification: Likely pathogenic for Landau-Kleffner syndrome. Last evaluated: 2024-09-27. Review status: criteria provided, single submitter. Criteria: ARUP Molecular Germline Variant Investigation Process 2024. Collection method: clinical testing. Allele origin: germline.
Comment: The GRIN2A c.742_748del; p.Leu248GlyfsTer43 variant, to our knowledge, is not reported in the medical literature or gene specific databases. This variant is also absent from the Genome Aggregation Database (v2.1.1), indicating it is not a common polymorphism. This variant causes a frameshift by deleting seven nucleotides, so it is predicted to result in a truncated protein or mRNA subject to nonsense-mediated decay. Additionally, several downstream truncating variants have been described in individuals with epilepsy and are considered pathogenic (Lemke 2013, Strehlow 2019). Based on available information, this variant is considered to be likely pathogenic. References: Lemke JR et al. Mutations in GRIN2A cause idiopathic focal epilepsy with rolandic spikes. Nat Genet. 2013 Sep;45(9):1067-72. PMID: 23933819. Strehlow V et al. GRIN2A-related disorders: genotype and functional consequence predict phenotype. Brain. 2019 Jan 1;142(1):80-92. PMID: 30544257.

GeneDx
Classification: Pathogenic. Last evaluated: 2024-01-16. Review status: criteria provided, single submitter. Criteria: GeneDx Variant Classification Process June 2021. Collection method: clinical testing. Allele origin: germline. Affected: yes.
Comment: Frameshift variant predicted to result in protein truncation or nonsense mediated decay in a gene for which loss of function is a known mechanism of disease; Not observed at significant frequency in large population cohorts (gnomAD); Has not been previously published as pathogenic or benign to our knowledge